The following is an entry in ClinVar:

ClinVar aggregate classification (germline): Likely pathogenic (1 of 4 stars; one submission).

Conditions:
Stuve-Wiedemann syndrome (STWS). Also called: Stüve-Wiedemann syndrome. Identifiers: Orphanet 3206, MedGen C0796176, MONDO:0031280.

Submission:

Natera, Inc.
Classification: Likely pathogenic for Stuve-Wiedemann syndrome. Last evaluated: 2024-05-17. Review status: criteria provided, single submitter. Criteria: Natera Variant Classification Schema (03/2026). Collection method: clinical testing. Allele origin: germline.
Comment: The c.1500_1501insTATTAG variant in LIFR is an in-frame insertion. This variant is expected to result in nonsense mediated decay, truncation, or a dysfunctional protein product. This variant is rare in the general population with a frequency below the threshold expected for the associated phenotype(s). Given the available evidence, this variant is classified as Likely Pathogenic.

NM_001127671.2(LIFR):c.1500_1501insTATTAG (p.Pro501delinsTyrTer)

Gene: LIFR (LIF receptor subunit alpha; minus strand). Cytogenetic location: 5p13.1.
Variant type: Insertion.
Coding change: c.1500_1501insTATTAG on transcript NM_001127671.2 (MANE Select); coding-DNA positions 1500 to 1501, TATTAG inserted.
Protein change: p.Pro501delinsTyrTer.
Molecular consequence: nonsense.
Genome position: GRCh38 VCF-style: chr5-38502736-G-GCTAATA. GRCh37 (hg19) VCF-style: chr5-38502838-G-GCTAATA.
Other names: c.1500_1501insTATTAG, p.Pro501delinsTyrTer (NM_001364297.2, NM_001364298.2, NM_002310.6).
Identifiers: ClinVar variation 4815012 (VCV004815012.1).
Genomic context (GRCh38, chr5:38,502,736, plus strand): 5'-TGCTCCATTTCCAGAAAGTTTCAGTAGAACAACGAATCCGAAAAGTATATAGAGTGTATG[G>GCTAATA]ATTTAACTTGTCCAGAGCAACAAGATAACTTGAATTTTCTACTCCTTTGATTGTGACATT-3'